The following is an entry in ClinVar:

ClinVar aggregate classification (germline): Pathogenic (1 of 4 stars; one submission).

Conditions:
Cardiovascular phenotype. Identifiers: MedGen CN230736.

Submission:

Molecular Diagnostic Laboratory for Inherited Cardiovascular Disease, Montreal Heart Institute
Classification: Pathogenic for Cardiovascular phenotype. Last evaluated: 2025-04-15. Review status: criteria provided, single submitter. Criteria: ACMG Guidelines, 2015. Collection method: clinical testing. Allele origin: germline. Affected: yes.
Comment: PVS1, PS4, PP1_strong, PM2

NM_000256.3:c.(2148+1_2149-1)_(2737+1_2738-1)del

Gene: MYBPC3 (myosin binding protein C3; minus strand).
Variant type: Deletion.
Other names: c.(2148+1_2149-1)_(2737+1_2738-1)del (NM_000256.3).
Identifiers: ClinVar variation 4076492 (VCV004076492.1).